The following is an entry in ClinVar:

NM_024757.5(EHMT1):c.1308C>T (p.Pro436=)

Gene: EHMT1 (euchromatic histone lysine methyltransferase 1; plus strand). Cytogenetic location: 9q34.3.
Variant type: single nucleotide variant.
Coding change: c.1308C>T on transcript NM_024757.5 (MANE Select); coding-DNA position 1308, C replaced by T.
Protein change: p.Pro436=; no amino-acid change (proline 436 retained).
Molecular consequence: synonymous variant.
Genome position (GRCh38, 1-based): chr9:137,754,230, C>T. VCF-style: chr9-137754230-C-T. GRCh37 (hg19) VCF-style: chr9-140648682-C-T.
Other names: c.1308C>T (NM_024757.4); c.1308C>T, p.Pro436= (NM_001145527.2, NM_001354611.2); c.1215C>T, p.Pro405= (NM_001354259.2, NM_001354612.2); c.1287C>T, p.Pro429= (NM_001354263.2).
Identifiers: ClinVar variation 1136092 (VCV001136092.11), dbSNP rs754767362, ClinGen allele CA5374571.
Genomic context (GRCh38, chr9:137,754,230, plus strand): 5'-GAGTTCGGAATCCAGCATTAAGAAGAAATTTCTCAAGAGGAAAGGAAAGACCGACAGTCC[C>T]TGGATCAAGCCAGCCAGGAAAAGGAGGCGGAGAAGTAGAAAGAAGCCCAGCGGTGCCCTC-3'
Protein context (NP_079033.4, residues 426-446): FLKRKGKTDS[Pro436=]WIKPARKRRR

ClinVar aggregate classification (germline): Likely benign. Review status: criteria provided, single submitter (1 of 4 stars). 2 submissions from 2 submitters: Likely benign (1). 1 of the submissions does not count toward it. Last evaluated 2026-01-26.

Conditions:
Kleefstra syndrome 1 (KLEFS1). Identifiers: Orphanet 261494, MedGen C0795833, MONDO:0027407, OMIM 610253.
EHMT1-related disorder. Also called: EHMT1-related condition.

Allele frequency attached by ClinVar (database versions not stated): TOPMed below 0.00001; gnomAD exomes 0.00009 and 0.00002; gnomAD 0.00001; ExAC 0.00008.
gnomAD v4.1: 33 of 1,614,010 alleles (0.002%); highest among the groups gnomAD compares: South Asian, 0.025%; no homozygotes.

Submissions (2):

Labcorp Genetics (formerly Invitae), Labcorp
Classification: Likely benign for Kleefstra syndrome 1. Last evaluated: 2026-01-26. Review status: criteria provided, single submitter. Criteria: Invitae Variant Classification Sherloc (09022015). Collection method: clinical testing. Allele origin: germline.

PreventionGenetics, part of Exact Sciences
Classification: Likely benign for EHMT1-related condition. Last evaluated: 2019-11-16. Review status: no assertion criteria provided. Collection method: clinical testing. Allele origin: germline. Not counted in ClinVar's aggregate classification.
Comment: This variant is classified as likely benign based on ACMG/AMP sequence variant interpretation guidelines (Richards et al. 2015 PMID: 25741868, with internal and published modifications).